The following is an entry in ClinVar:

NM_004064.5(CDKN1B):c.-73G>A

Gene: CDKN1B (cyclin dependent kinase inhibitor 1B; plus strand). Cytogenetic location: 12p13.1.
Variant type: single nucleotide variant.
Coding change: c.-73G>A on transcript NM_004064.5 (MANE Select); 73 bases upstream of the start codon, G replaced by A.
Molecular consequence: 5 prime UTR variant.
Genome position (GRCh38, 1-based): chr12:12,717,767, G>A. VCF-style: chr12-12717767-G-A. GRCh37 (hg19) VCF-style: chr12-12870701-G-A.
Identifiers: ClinVar variation 827022 (VCV000827022.8), dbSNP rs1592280605, ClinGen allele CA915947916.

ClinVar aggregate classification (germline): Uncertain significance. Review status: criteria provided, multiple submitters, no conflicts (2 of 4 stars). 2 submissions from 2 submitters: Uncertain significance (2). Last evaluated 2019-12-12.

Conditions:
Multiple endocrine neoplasia type 4. Also called: MULTIPLE ENDOCRINE NEOPLASIA, TYPE IV. Identifiers: Orphanet 276152, MedGen C1970712, MONDO:0012552, OMIM 610755.
Hereditary cancer-predisposing syndrome. Also called: Neoplastic Syndromes, Hereditary; Hereditary Cancer Syndrome; Hereditary neoplastic syndrome; Tumor predisposition. Identifiers: Orphanet 140162, MedGen C0027672, MeSH D009386, MONDO:0015356.

Allele frequency attached by ClinVar (database versions not stated): TOPMed 0.00001.

Submissions (2):

Ambry Genetics
Classification: Uncertain significance for Hereditary cancer-predisposing syndrome. Last evaluated: 2019-12-12. Review status: criteria provided, single submitter. Criteria: Ambry Variant Classification Scheme 2023. Collection method: clinical testing. Allele origin: germline.
Comment: The c.-73G>A variant is located in the 5' untranslated region (5&rsquo; UTR) of the CDKN1B gene. This variant results from a G to A substitution 73 bases upstream from the first translated codon. Luciferase reporter assay showed that this alteration decreased transcription, however, it was not decreased more than the CDKN1B c.-79C>T alteration which has been seen with a substantial minor allele frequency in the general population and has only slightly increased odds ratios in association with thyroid cancer, endometrial cancer, neuroblastoma and systemic lupus (Grey W et al. Hum. Mut., 2013 Jun; 34; Capasso M et al. J. Cell. Mol. Med., 2017 Jun; Landa I et al. Endocr. Relat. Cancer, 2010 Jun;17:317-28; Chang BL et al. Cancer Res., 2004 Mar;64:1997-9; Cai H et al. Am. J. Epidemiol., 2011 Jun;173:1263-71; Yang W et al. Am. J. Hum. Genet., 2013 Jan;92:41-51). Since supporting evidence is limited at this time, the clinical significance of this alteration remains unclear.

Illumina Laboratory Services, Illumina
Classification: Uncertain significance for Multiple endocrine neoplasia type 4. Last evaluated: 2017-08-08. Review status: criteria provided, single submitter. Criteria: ICSL Variant Classification Criteria 13 December 2019. Collection method: clinical testing. Allele origin: germline.
Comment: This variant was observed as part of a predisposition screen in an ostensibly healthy population. A literature search was performed for the gene, cDNA change, and amino acid change (where applicable). Publications were found based on this search. However, the evidence from the literature, in combination with allele frequency data from public databases where available, was not sufficient to rule this variant in or out of causing disease. Therefore, this variant is classified as a variant of unknown significance.

Literature cited by the submitters: PubMed 15026335 (cited by Ambry Genetics); PubMed 20075119 (cited by Ambry Genetics); PubMed 21454826 (cited by Ambry Genetics); PubMed 23273568 (cited by Ambry Genetics); PubMed 28667701 (cited by Ambry Genetics); PubMed 23505216 (cited by Illumina Laboratory Services, Illumina).